The following is an entry in ClinVar:

ClinVar aggregate classification (germline): Uncertain significance (1 of 4 stars; one submission).

Conditions:
Familial intrahepatic cholestasis. Identifiers: Orphanet 284385, MedGen CN296401, MONDO:0017290.

Submission:

Genomenon, Inc
Classification: Uncertain significance for Familial intrahepatic cholestasis. Last evaluated: 2026-04-14. Review status: criteria provided, single submitter. Criteria: Genomenon Sequence Variant Interpretation Standards - Updated. Collection method: curation. Allele origin: germline. Affected: yes.
Comment: ABCB4 p.Ile600Phe (c.1798A>T) is a missense variant that changes the amino acid at residue 600 from Isoleucine to Phenylalanine. This variant has been observed in at least one proband with an ABCB4-related disorder (PMID:31728073). It is absent or not present at a significant frequency in gnomAD. In silico models predict that this variant is possibly or probably damaging. In conclusion, we classify ABCB4 p.Ile600Phe (c.1798A>T) as a variant of uncertain significance.

Literature cited by the submitters: PubMed 31728073.

NM_000443.4(ABCB4):c.1798A>T (p.Ile600Phe)

Gene: ABCB4 (ATP binding cassette subfamily B member 4; minus strand). Cytogenetic location: 7q21.12.
Variant type: single nucleotide variant.
Coding change: c.1798A>T on transcript NM_000443.4 (MANE Select); coding-DNA position 1798, A replaced by T.
Protein change: p.Ile600Phe; replaces isoleucine 600 with phenylalanine.
Molecular consequence: missense variant.
Genome position (GRCh38, 1-based): chr7:87,431,499, T>A on the plus strand (A>T on the coding strand, the complement: ABCB4 is on the minus strand). VCF-style: chr7-87431499-T-A. GRCh37 (hg19) VCF-style: chr7-87060815-T-A.
Other names: c.1798A>T, p.Ile600Phe (NM_018849.3, NM_018850.3); short protein forms I600F.
Identifiers: ClinVar variation 4846508 (VCV004846508.1).